The following is an entry in ClinVar:

NM_005876.5(SPEG):c.6041G>T (p.Ser2014Ile)

Genes: ASIC4-AS1 (ASIC4 antisense RNA 1; minus strand), SPEG (striated muscle enriched protein kinase; plus strand). Cytogenetic location: 2q35.
Variant type: single nucleotide variant.
Coding change: c.6041G>T on transcript NM_005876.5 (MANE Select); coding-DNA position 6041, G replaced by T.
Protein change: p.Ser2014Ile; replaces serine 2014 with isoleucine.
Molecular consequence: missense variant.
Genome position (GRCh38, 1-based): chr2:219,483,504, G>T. VCF-style: chr2-219483504-G-T. GRCh37 (hg19) VCF-style: chr2-220348226-G-T.
Other names: short protein forms S2014I.
Identifiers: ClinVar variation 1429459 (VCV001429459.4), dbSNP rs1165801629, ClinGen allele CA350694818.

ClinVar aggregate classification (germline): Uncertain significance. Review status: criteria provided, multiple submitters, no conflicts (2 of 4 stars). 2 submissions from 2 submitters: Uncertain significance (2). Last evaluated 2021-10-05.

Allele frequency attached by ClinVar (database versions not stated): TOPMed below 0.00001.
gnomAD v4.1: 2 of 1,422,410 alleles (0.00014%); highest among the groups gnomAD compares: Non-Finnish European, 0.00018%; no homozygotes.

Submissions (2):

Labcorp Genetics (formerly Invitae), Labcorp
Classification: Uncertain significance. Last evaluated: 2021-10-05. Review status: criteria provided, single submitter. Criteria: Invitae Variant Classification Sherloc (09022015). Collection method: clinical testing. Allele origin: germline.
Comment: This sequence change replaces serine with isoleucine at codon 2014 of the SPEG protein (p.Ser2014Ile). The serine residue is highly conserved and there is a large physicochemical difference between serine and isoleucine. The frequency data for this variant in the population databases is considered unreliable, as metrics indicate insufficient coverage at this position in the ExAC database. This variant has not been reported in the literature in individuals affected with SPEG-related conditions. Algorithms developed to predict the effect of missense changes on protein structure and function are either unavailable or do not agree on the potential impact of this missense change (SIFT: "Deleterious"; PolyPhen-2: "Possibly Damaging"; Align-GVGD: "Class C0"). In summary, the available evidence is currently insufficient to determine the role of this variant in disease. Therefore, it has been classified as a Variant of Uncertain Significance.

Breakthrough Genomics
Classification: Uncertain significance. Review status: criteria provided, single submitter. Criteria: ACMG Guidelines, 2015. Collection method: not provided. Allele origin: germline. Inheritance: Autosomal recessive inheritance. Affected: yes.